The following is an entry in ClinVar:

ClinVar aggregate classification (germline): Uncertain significance (1 of 4 stars; one submission).

Conditions:
Hypertrophic cardiomyopathy. Also called: HYPERTROPHIC MYOCARDIOPATHY. Identifiers: Orphanet 217569, MedGen C0007194, MeSH D002312, MONDO:0005045, HP:0001639.

Allele frequency attached by ClinVar (database versions not stated): gnomAD exomes 0.00001.
gnomAD v4.1: 6 of 1,613,898 alleles (0.00037%); highest among the groups gnomAD compares: Non-Finnish European, 0.00025%; no homozygotes.

Submission:

Labcorp Genetics (formerly Invitae), Labcorp
Classification: Uncertain significance for Hypertrophic cardiomyopathy. Last evaluated: 2018-09-19. Review status: criteria provided, single submitter. Criteria: Invitae Variant Classification Sherloc (09022015). Collection method: clinical testing. Allele origin: germline.
Comment: This sequence change replaces serine with threonine at codon 423 of the MYOM1 protein (p.Ser423Thr). The serine residue is moderately conserved and there is a small physicochemical difference between serine and threonine. This variant is not present in population databases (ExAC no frequency). This variant has not been reported in the literature in individuals with MYOM1-related disease. Algorithms developed to predict the effect of missense changes on protein structure and function are either unavailable or do not agree on the potential impact of this missense change (SIFT: "Tolerated"; PolyPhen-2: "Possibly Damaging"; Align-GVGD: "Class C0"). In summary, the available evidence is currently insufficient to determine the role of this variant in disease. Therefore, it has been classified as a Variant of Uncertain Significance.

NM_003803.4(MYOM1):c.1268G>C (p.Ser423Thr)

Gene: MYOM1 (myomesin 1; minus strand). Cytogenetic location: 18p11.31.
Variant type: single nucleotide variant.
Coding change: c.1268G>C on transcript NM_003803.4 (MANE Select); coding-DNA position 1268, G replaced by C.
Protein change: p.Ser423Thr; replaces serine 423 with threonine.
Molecular consequence: missense variant.
Genome position (GRCh38, 1-based): chr18:3,168,888, C>G on the plus strand (G>C on the coding strand, the complement: MYOM1 is on the minus strand). VCF-style: chr18-3168888-C-G. GRCh37 (hg19) VCF-style: chr18-3168886-C-G.
Other names: c.1268G>C, p.Ser423Thr (NM_019856.2); short protein forms S423T.
Identifiers: ClinVar variation 649044 (VCV000649044.1), dbSNP rs1598739512, ClinGen allele CA401715254.